The following is an entry in ClinVar:

ClinVar aggregate classification (germline): Uncertain significance (1 of 4 stars; one submission).

Conditions:
Joubert syndrome. Also called: CEREBELLOPARENCHYMAL DISORDER IV; JOUBERT-BOLTSHAUSER SYNDROME; Familial aplasia of the vermis. Identifiers: Orphanet 475, MedGen C5979921, MONDO:0018772.
Meckel-Gruber syndrome. Also called: DYSENCEPHALIA SPLANCHNOCYSTICA; GRUBER SYNDROME; Dysencephalia splachnocystica. Identifiers: Orphanet 564, MedGen C0265215, MONDO:0018921.

Submission:

Labcorp Genetics (formerly Invitae), Labcorp
Classification: Uncertain significance for Joubert syndrome; Meckel-Gruber syndrome. Last evaluated: 2021-05-07. Review status: criteria provided, single submitter. Criteria: Invitae Variant Classification Sherloc (09022015). Collection method: clinical testing. Allele origin: germline.
Comment: In summary, the available evidence is currently insufficient to determine the role of this variant in disease. Therefore, it has been classified as a Variant of Uncertain Significance. Algorithms developed to predict the effect of sequence changes on RNA splicing suggest that this variant may create or strengthen a splice site, but this prediction has not been confirmed by published transcriptional studies. Algorithms developed to predict the effect of missense changes on protein structure and function are either unavailable or do not agree on the potential impact of this missense change (SIFT: "Deleterious"; PolyPhen-2: "Possibly Damaging"; Align-GVGD: "Class C15"). This variant has not been reported in the literature in individuals with TCTN1-related conditions. This variant is not present in population databases (ExAC no frequency). This sequence change replaces asparagine with aspartic acid at codon 157 of the TCTN1 protein (p.Asn157Asp). The asparagine residue is highly conserved and there is a small physicochemical difference between asparagine and aspartic acid.

NM_001082538.3(TCTN1):c.469A>G (p.Asn157Asp)

Gene: TCTN1 (tectonic family member 1; plus strand). Cytogenetic location: 12q24.11.
Variant type: single nucleotide variant.
Coding change: c.469A>G on transcript NM_001082538.3 (MANE Select); coding-DNA position 469, A replaced by G.
Protein change: p.Asn157Asp; replaces asparagine 157 with aspartic acid.
Molecular consequence: missense variant. On other transcripts: 5 prime UTR variant (1), non-coding transcript variant (1).
Genome position (GRCh38, 1-based): chr12:110,626,489, A>G. VCF-style: chr12-110626489-A-G. GRCh37 (hg19) VCF-style: chr12-111064294-A-G.
Other names: c.469A>G, p.Asn157Asp (NM_001082537.3, NM_001319680.2, NM_024549.6); c.301A>G, p.Asn101Asp (NM_001173975.3, NM_001319682.3); c.289A>G, p.Asn97Asp (NM_001173976.2); c.-239A>G (NM_001319681.2); short protein forms N97D, N157D, N101D.
Identifiers: ClinVar variation 1352003 (VCV001352003.8), dbSNP rs1338880412, ClinGen allele CA386701905.